The following is an entry in ClinVar:

ClinVar aggregate classification (germline): Uncertain significance (1 of 4 stars; one submission).

Allele frequency attached by ClinVar (database versions not stated): TOPMed 0.00002; gnomAD 0.00001.
gnomAD v4.1: 2 of 153,292 alleles (0.0013%); highest among the groups gnomAD compares: Admixed American, 0.013%; no homozygotes.

Submission:

Labcorp Genetics (formerly Invitae), Labcorp
Classification: Uncertain significance. Last evaluated: 2024-11-18. Review status: criteria provided, single submitter. Criteria: Invitae Variant Classification Sherloc (09022015). Collection method: clinical testing. Allele origin: germline.
Comment: This variant occurs in a non-coding region of the EYS gene. It does not change the encoded amino acid sequence of the EYS protein. This variant is present in population databases (no rsID available, gnomAD 0.1%). This variant has not been reported in the literature in individuals affected with EYS-related conditions. ClinVar contains an entry for this variant (Variation ID: 1399553). Experimental studies and prediction algorithms are not available or were not evaluated, and the functional significance of this variant is currently unknown. In summary, the available evidence is currently insufficient to determine the role of this variant in disease. Therefore, it has been classified as a Variant of Uncertain Significance.

NM_001142800.2(EYS):c.-320A>G

Gene: EYS (eyes shut homolog; minus strand). Cytogenetic location: 6q12.
Variant type: single nucleotide variant.
Coding change: c.-320A>G on transcript NM_001142800.2 (MANE Select); 320 bases upstream of the start codon, A replaced by G.
Molecular consequence: 5 prime UTR variant.
Genome position (GRCh38, 1-based): chr6:65,495,981, T>C on the plus strand (A>G on the coding strand, the complement: EYS is on the minus strand). VCF-style: chr6-65495981-T-C. GRCh37 (hg19) VCF-style: chr6-66205874-T-C.
Other names: c.-320A>G (NM_001142801.2, NM_001292009.2, NM_198283.2).
Identifiers: ClinVar variation 1399553 (VCV001399553.4), dbSNP rs969388354, ClinGen allele CA140435047.